The following is an entry in ClinVar:

NM_001367721.1(CASK):c.1628G>A (p.Ser543Asn)

Gene: CASK (calcium/calmodulin dependent serine protein kinase; minus strand). Cytogenetic location: Xp11.4.
Variant type: single nucleotide variant.
Coding change: c.1628G>A on transcript NM_001367721.1 (MANE Select); coding-DNA position 1628, G replaced by A.
Protein change: p.Ser543Asn; replaces serine 543 with asparagine.
Molecular consequence: missense variant.
Genome position (GRCh38, 1-based): chrX:41,561,599, C>T on the plus strand (G>A on the coding strand, the complement: CASK is on the minus strand). VCF-style: chrX-41561599-C-T. GRCh37 (hg19) VCF-style: chrX-41420852-C-T.
Other names: c.1628G>A, p.Ser543Asn (NM_001126054.3, NM_003688.4); c.1610G>A, p.Ser537Asn (NM_001126055.3, NM_001410745.1); short protein forms S543N, S537N.
Identifiers: ClinVar variation 3645160 (VCV003645160.2).

ClinVar aggregate classification (germline): Uncertain significance (1 of 4 stars; one submission).

Conditions:
Intellectual disability, CASK-related, X-linked. Identifiers: MedGen CN043158.

Submission:

Labcorp Genetics (formerly Invitae), Labcorp
Classification: Uncertain significance for Intellectual disability, CASK-related, X-linked. Last evaluated: 2024-03-09. Review status: criteria provided, single submitter. Criteria: Invitae Variant Classification Sherloc (09022015). Collection method: clinical testing. Allele origin: germline.
Comment: This sequence change replaces serine, which is neutral and polar, with asparagine, which is neutral and polar, at codon 543 of the CASK protein (p.Ser543Asn). This variant is not present in population databases (gnomAD no frequency). This variant has not been reported in the literature in individuals affected with CASK-related conditions. Advanced modeling of protein sequence and biophysical properties (such as structural, functional, and spatial information, amino acid conservation, physicochemical variation, residue mobility, and thermodynamic stability) has been performed at Invitae for this missense variant, however the output from this modeling did not meet the statistical confidence thresholds required to predict the impact of this variant on CASK protein function. In summary, the available evidence is currently insufficient to determine the role of this variant in disease. Therefore, it has been classified as a Variant of Uncertain Significance.